The following is an entry in ClinVar:

NM_033453.4(ITPA):c.523G>C (p.Val175Leu)

Gene: ITPA (inosine triphosphatase; plus strand). Cytogenetic location: 20p13.
Variant type: single nucleotide variant.
Coding change: c.523G>C on transcript NM_033453.4 (MANE Select); coding-DNA position 523, G replaced by C.
Protein change: p.Val175Leu; replaces valine 175 with leucine.
Molecular consequence: missense variant. On other transcripts: synonymous variant (4), non-coding transcript variant (2), intron variant (1).
Genome position (GRCh38, 1-based): chr20:3,223,400, G>C. VCF-style: chr20-3223400-G-C. GRCh37 (hg19) VCF-style: chr20-3204046-G-C.
Other names: c.400G>C, p.Val134Leu (NM_001267623.2); c.186G>C, p.Leu62= (NM_001324236.2, NM_001324237.2, NM_001324238.2 and 1 more transcripts); c.472G>C, p.Val158Leu (NM_181493.4); c.412-3283G>C (NM_001324240.2); short protein forms V134L, V158L, V175L.
Identifiers: ClinVar variation 660271 (VCV000660271.10), dbSNP rs1600541745, ClinGen allele CA408081654.
Genomic context (GRCh38, chr20:3,223,400, plus strand): 5'-CCTGAGCTGCTACTGTCACCCCTCAGGTACGCAGAGATGCCTAAGGCGGAGAAGAACGCT[G>C]TCTCCCATCGCTTCCGGGCCCTGCTGGAGCTGCAGGAGTACTTTGGCAGTTTGGCAGCTT-3'
Protein context (NP_258412.1, residues 165-185): AEMPKAEKNA[Val175Leu]SHRFRALLEL

ClinVar aggregate classification (germline): Uncertain significance. Review status: criteria provided, multiple submitters, no conflicts (2 of 4 stars). 2 submissions from 2 submitters: Uncertain significance (2). Last evaluated 2023-08-30.

Conditions:
ITPA-related disorder. Also called: ITPA-related condition.
Inosine triphosphatase deficiency. Also called: INOSINE TRIPHOSPHATE PYROPHOSPHOHYDROLASE DEFICIENCY. Identifiers: MedGen C0342800, MONDO:0013461, OMIM 613850.

Allele frequency attached by ClinVar (database versions not stated): TOPMed below 0.00001; gnomAD 0.00001.
gnomAD v4.1: 1 of 1,613,788 alleles (0.000062%); highest among the groups gnomAD compares: Non-Finnish European, 0.000085%; no homozygotes.

Submissions (2):

PreventionGenetics, part of Exact Sciences
Classification: Uncertain significance for ITPA-related condition. Last evaluated: 2023-08-30. Review status: criteria provided, single submitter. Criteria: ACMG Guidelines, 2015. Collection method: clinical testing. Allele origin: germline.
Comment: The ITPA c.523G>C variant is predicted to result in the amino acid substitution p.Val175Leu. To our knowledge, this variant has not been reported in the literature or in a large population database, indicating this variant is rare. At this time, the clinical significance of this variant is uncertain due to the absence of conclusive functional and genetic evidence.

Labcorp Genetics (formerly Invitae), Labcorp
Classification: Uncertain significance for Inosine triphosphatase deficiency. Last evaluated: 2018-10-20. Review status: criteria provided, single submitter. Criteria: Invitae Variant Classification Sherloc (09022015). Collection method: clinical testing. Allele origin: germline.
Comment: This sequence change replaces valine with leucine at codon 175 of the ITPA protein (p.Val175Leu). The valine residue is weakly conserved and there is a small physicochemical difference between valine and leucine. In summary, the available evidence is currently insufficient to determine the role of this variant in disease. Therefore, it has been classified as a Variant of Uncertain Significance. Algorithms developed to predict the effect of missense changes on protein structure and function are either unavailable or do not agree on the potential impact of this missense change (SIFT: "Deleterious"; PolyPhen-2: "Benign"; Align-GVGD: "Class C0"). This variant has not been reported in the literature in individuals with ITPA-related disease. This variant is not present in population databases (ExAC no frequency).